The following is an entry in ClinVar:

ClinVar aggregate classification (germline): Uncertain significance (1 of 4 stars; one submission).

Conditions:
Imerslund-Grasbeck syndrome. Also called: Imerslund-Gräsbeck syndrome; PERNICIOUS ANEMIA, JUVENILE, DUE TO SELECTIVE INTESTINAL MALABSORPTION OF VITAMIN B12, WITH PROTEINURIA; ENTEROCYTE COBALAMIN MALABSORPTION; ENTEROCYTE INTRINSIC FACTOR RECEPTOR, DEFECT OF; Megaloblastic anemia due to inborn errors of metabolism. Identifiers: Orphanet 35858, MedGen C4551825, MONDO:0009853.

Allele frequency attached by ClinVar (database versions not stated): ExAC 0.00001; gnomAD exomes 0.00001; gnomAD 0.00005; TOPMed 0.00005; ESP Exome Variant Server 0.00008.
gnomAD v4.1: 15 of 1,613,396 alleles (0.00093%); highest among the groups gnomAD compares: African/African-American, 0.019%; no homozygotes.

Submission:

Labcorp Genetics (formerly Invitae), Labcorp
Classification: Uncertain significance for Imerslund-Grasbeck syndrome. Last evaluated: 2024-02-05. Review status: criteria provided, single submitter. Criteria: Invitae Variant Classification Sherloc (09022015). Collection method: clinical testing. Allele origin: germline.
Comment: This sequence change replaces asparagine, which is neutral and polar, with serine, which is neutral and polar, at codon 711 of the CUBN protein (p.Asn711Ser). This variant is present in population databases (rs142424994, gnomAD 0.02%). This variant has not been reported in the literature in individuals affected with CUBN-related conditions. ClinVar contains an entry for this variant (Variation ID: 2184424). Advanced modeling of protein sequence and biophysical properties (such as structural, functional, and spatial information, amino acid conservation, physicochemical variation, residue mobility, and thermodynamic stability) performed at Invitae indicates that this missense variant is not expected to disrupt CUBN protein function with a negative predictive value of 80%. In summary, the available evidence is currently insufficient to determine the role of this variant in disease. Therefore, it has been classified as a Variant of Uncertain Significance.

NM_001081.4(CUBN):c.2132A>G (p.Asn711Ser)

Gene: CUBN (cubilin; minus strand). Cytogenetic location: 10p13.
Variant type: single nucleotide variant.
Coding change: c.2132A>G on transcript NM_001081.4 (MANE Select); coding-DNA position 2132, A replaced by G.
Protein change: p.Asn711Ser; replaces asparagine 711 with serine.
Molecular consequence: missense variant.
Genome position (GRCh38, 1-based): chr10:17,084,440, T>C on the plus strand (A>G on the coding strand, the complement: CUBN is on the minus strand). VCF-style: chr10-17084440-T-C. GRCh37 (hg19) VCF-style: chr10-17126439-T-C.
Other names: short protein forms N711S.
Identifiers: ClinVar variation 2184424 (VCV002184424.3), dbSNP rs142424994, ClinGen allele CA5425074.
Genomic context (GRCh38, chr10:17,084,440, plus strand): 5'-GTGTGAGTGAAAGGCCCAGACAACTCAGGCAAGAAGAGTTCACCCTCTGGGTCCGTGTAG[T>C]TCCCACCACAACGCAGATCCGCTAAGAACAGGGAAGAGACGAACAGGTCATGGCAATGGC-3'
Protein context (NP_001072.2, residues 701-721): TSPSDLRCGG[Asn711Ser]YTDPEGELFL